The following is an entry in ClinVar:

NM_000088.4(COL1A1):c.3815G>A (p.Gly1272Glu)

Gene: COL1A1 (collagen type I alpha 1 chain; minus strand). Cytogenetic location: 17q21.33.
Variant type: single nucleotide variant.
Coding change: c.3815G>A on transcript NM_000088.4 (MANE Select); coding-DNA position 3815, G replaced by A.
Protein change: p.Gly1272Glu; replaces glycine 1272 with glutamic acid.
Molecular consequence: missense variant.
Genome position (GRCh38, 1-based): chr17:50,186,507, C>T on the plus strand (G>A on the coding strand, the complement: COL1A1 is on the minus strand). VCF-style: chr17-50186507-C-T. GRCh37 (hg19) VCF-style: chr17-48263868-C-T.
Other names: short protein forms G1272E.
Identifiers: ClinVar variation 2984275 (VCV002984275.3), dbSNP rs1114167402, ClinGen allele CA400194034.

ClinVar aggregate classification (germline): Uncertain significance (1 of 4 stars; one submission).

Conditions:
Osteogenesis imperfecta type I (OI1). Also called: Lobstein disease; Classic Non-deforming Osteogenesis Imperfecta with Blue Sclerae; OI, TYPE I; OSTEOGENESIS IMPERFECTA TARDA; OSTEOGENESIS IMPERFECTA WITH BLUE SCLERAE; Osteogenesis imperfecta type 1. Identifiers: Orphanet 216796, Orphanet 666, MedGen C0023931, MONDO:0008146, OMIM 166200. Disease mechanism: loss of function.

Allele frequency attached by ClinVar (database versions not stated): gnomAD exomes below 0.00001; gnomAD 0.00001.
gnomAD v4.1: 5 of 1,614,124 alleles (0.00031%); highest among the groups gnomAD compares: East Asian, 0.0022%; no homozygotes.

Submission:

Labcorp Genetics (formerly Invitae), Labcorp
Classification: Uncertain significance for Osteogenesis imperfecta type I. Last evaluated: 2023-10-05. Review status: criteria provided, single submitter. Criteria: Invitae Variant Classification Sherloc (09022015). Collection method: clinical testing. Allele origin: germline.
Comment: This sequence change replaces glycine, which is neutral and non-polar, with glutamic acid, which is acidic and polar, at codon 1272 of the COL1A1 protein (p.Gly1272Glu). This variant is present in population databases (no rsID available, gnomAD 0.003%). This variant has not been reported in the literature in individuals affected with COL1A1-related conditions. Experimental studies and prediction algorithms are not available or were not evaluated, and the functional significance of this variant is currently unknown. Algorithms developed to predict the effect of sequence changes on RNA splicing suggest that this variant may create or strengthen a splice site. This variant disrupts the p.Gly1272 amino acid residue in COL1A1. Other variant(s) that disrupt this residue have been determined to be pathogenic (PMID: 25146735, 25944380, 27510842, 31414283). This suggests that this residue is clinically significant, and that variants that disrupt this residue are likely to be disease-causing. In summary, the available evidence is currently insufficient to determine the role of this variant in disease. Therefore, it has been classified as a Variant of Uncertain Significance.

Literature cited by the submitters: PubMed 25146735; PubMed 25944380; PubMed 27510842; PubMed 31414283.